The following is an entry in ClinVar:

NM_001378120.1(MBD5):c.1723C>G (p.Pro575Ala)

Gene: MBD5 (methyl-CpG binding domain protein 5; plus strand). Cytogenetic location: 2q23.1.
Variant type: single nucleotide variant.
Coding change: c.1723C>G on transcript NM_001378120.1 (MANE Select); coding-DNA position 1723, C replaced by G.
Protein change: p.Pro575Ala; replaces proline 575 with alanine.
Molecular consequence: missense variant.
Genome position (GRCh38, 1-based): chr2:148,469,666, C>G. VCF-style: chr2-148469666-C-G. GRCh37 (hg19) VCF-style: chr2-149227235-C-G.
Other names: c.1723C>G, p.Pro575Ala (NM_018328.5); short protein forms P575A.
Identifiers: ClinVar variation 3901364 (VCV003901364.1).

ClinVar aggregate classification (germline): Uncertain significance (1 of 4 stars; one submission).

Submission:

GeneDx
Classification: Uncertain significance. Last evaluated: 2024-12-06. Review status: criteria provided, single submitter. Criteria: GeneDx Variant Classification Process June 2021. Collection method: clinical testing. Allele origin: germline. Affected: yes.
Comment: Not observed at significant frequency in large population cohorts (gnomAD); In silico analysis supports that this missense variant has a deleterious effect on protein structure/function; Has not been previously published as pathogenic or benign to our knowledge